The following is an entry in ClinVar:

ClinVar aggregate classification (germline): Benign/Likely benign. Review status: criteria provided, multiple submitters, no conflicts (2 of 4 stars). 4 submissions from 4 submitters: Benign (3); Likely benign (1). Last evaluated 2026-01-28.

Conditions:
Immunodeficiency 28 (IMD28). Also called: IFNGR2 DEFICIENCY. Identifiers: Orphanet 319547, Orphanet 319574, MedGen C4013947, MONDO:0013953, OMIM 614889.

Allele frequency attached by ClinVar (database versions not stated): gnomAD 0.00112 and 0.00141; TOPMed 0.00140; 1000 Genomes Project 30x 0.00172; 1000 Genomes Project 0.00220; gnomAD exomes 0.00892; ExAC 0.01557.
gnomAD v4.1: 2,353 of 1,318,056 alleles (0.18%); highest among the groups gnomAD compares: South Asian, 1.2%; 15 homozygotes.

Submissions (4):

Labcorp Genetics (formerly Invitae), Labcorp
Classification: Benign for Immunodeficiency 28. Last evaluated: 2026-01-28. Review status: criteria provided, single submitter. Criteria: Invitae Variant Classification Sherloc (09022015). Collection method: clinical testing. Allele origin: germline.

Women's Health and Genetics/Laboratory Corporation of America, LabCorp
Classification: Benign. Last evaluated: 2024-12-11. Review status: criteria provided, single submitter. Criteria: LabCorp Variant Classification Summary - May 2015. Collection method: clinical testing. Allele origin: germline.
Comment: Variant summary: IFNGR2 c.73+16G>A alters a nucleotide located at a position not widely known to affect splicing. Consensus agreement among computation tools predict no significant impact on normal splicing (TrAP). However, these predictions have yet to be confirmed by functional studies. The variant allele was found at a frequency of 0.0089 in 12114 control chromosomes. The observed variant frequency exceeds the estimated maximal expected allele frequency for a pathogenic variant in IFNGR2 causing Interferon Gamma Receptor Deficiency phenotype. To our knowledge, no occurrence of c.73+16G>A in individuals affected with Interferon Gamma Receptor Deficiency and no experimental evidence demonstrating its impact on protein function have been reported. ClinVar contains an entry for this variant (Variation ID: 1165446). Based on the evidence outlined above, the variant was classified as benign.

Blueprint Genetics
Classification: Likely benign. Last evaluated: 2024-11-28. Review status: criteria provided, single submitter. Criteria: ACMG Guidelines, 2015. Collection method: clinical testing. Allele origin: germline.

Breakthrough Genomics
Classification: Benign. Review status: criteria provided, single submitter. Criteria: ACMG Guidelines, 2015. Collection method: not provided. Allele origin: germline. Inheritance: Autosomal recessive inheritance. Affected: yes.

NM_005534.4(IFNGR2):c.73+16G>A

Gene: IFNGR2 (interferon gamma receptor 2; plus strand). Cytogenetic location: 21q22.11.
Variant type: single nucleotide variant.
Coding change: c.73+16G>A on transcript NM_005534.4 (MANE Select); 16 bases into the intron after coding-DNA position 73, G replaced by A.
Molecular consequence: intron variant.
Genome position (GRCh38, 1-based): chr21:33,403,632, G>A. VCF-style: chr21-33403632-G-A. GRCh37 (hg19) VCF-style: chr21-34775938-G-A.
Other names: c.73+16G>A (NM_001329128.2).
Identifiers: ClinVar variation 1165446 (VCV001165446.12), dbSNP rs571968917, ClinGen allele CA10006835.